The following is an entry in ClinVar:

NM_001015880.2(PAPSS2):c.381+23_381+24del

Gene: PAPSS2 (3'-phosphoadenosine 5'-phosphosulfate synthase 2; plus strand). Cytogenetic location: 10q23.31.
Variant type: Deletion.
Coding change: c.381+23_381+24del on transcript NM_001015880.2 (MANE Select); bases 23 to 24 of the intron after coding-DNA position 381, 2 bases deleted (AA; older notation c.381+23_381+24delAA).
Molecular consequence: intron variant.
Genome position (GRCh38, 1-based): chr10:87,713,333-87,713,334, AA deleted; deleting any 2 consecutive bases within chr10:87,713,313-87,713,334 gives the same sequence; the c. name uses the placement nearest the transcript's 3' end. VCF-style (leftmost placement, unchanged base first): chr10-87713312-TAA-T. GRCh37 (hg19) VCF-style: chr10-89473069-TAA-T.
Other names: p.?; c.381+23_381+24del (NM_004670.4).
Identifiers: ClinVar variation 1206158 (VCV001206158.4), dbSNP rs367885911, ClinGen allele CA5589412.

ClinVar aggregate classification (germline): Likely benign. Review status: criteria provided, multiple submitters, no conflicts (2 of 4 stars). 4 submissions from 4 submitters: Likely benign (2). 2 of the submissions do not count toward it. Last evaluated 2025-02-16.

Submissions (4):

Laboratory of Genetics, Children's Clinical University Hospital Latvia
Classification: Likely benign. Last evaluated: 2025-02-16. Review status: criteria provided, single submitter. Criteria: ACMG Guidelines, 2015. Collection method: clinical testing. Allele origin: germline. Affected: yes.

Mayo Clinic Laboratories, Mayo Clinic
Classification: Likely benign. Last evaluated: 2024-08-19. Review status: criteria provided, single submitter. Criteria: ACMG Guidelines, 2015. Collection method: clinical testing. Allele origin: germline. Observed: 3 variant alleles.
Comment: BP4, BP7

Clinical Genetics DNA and cytogenetics Diagnostics Lab, Erasmus MC, Erasmus Medical Center
Classification: Likely benign. Review status: no assertion criteria provided. Collection method: clinical testing. Allele origin: germline. Affected: yes. Study: VKGL Data-share Consensus. Not counted in ClinVar's aggregate classification.

Laboratory of Diagnostic Genome Analysis, Leiden University Medical Center (LUMC)
Classification: Likely benign. Review status: no assertion criteria provided. Collection method: clinical testing. Allele origin: germline. Affected: yes. Study: VKGL Data-share Consensus. Not counted in ClinVar's aggregate classification.